The following is an entry in ClinVar:

NM_001723.7(DST):c.5471A>G (p.His1824Arg)

Gene: DST (dystonin; minus strand). Cytogenetic location: 6p12.1.
Variant type: single nucleotide variant.
Coding change: c.5471A>G on transcript NM_001723.7 (MANE Plus Clinical); coding-DNA position 5471, A replaced by G.
Protein change: p.His1824Arg; replaces histidine 1824 with arginine.
Molecular consequence: missense variant. On other transcripts: intron variant (10).
Genome position (GRCh38, 1-based): chr6:56,618,563, T>C on the plus strand (A>G on the coding strand, the complement: DST is on the minus strand). VCF-style: chr6-56618563-T-C. GRCh37 (hg19) VCF-style: chr6-56483361-T-C.
Other names: c.4831-4079A>G (NM_001144769.5); c.4930-4079A>G (NM_001374722.1, NM_001374736.1); c.4957-4079A>G (NM_001374734.1); c.4417-4079A>G (NM_001144770.2); c.4297-4079A>G (NM_001374730.1, NM_001386100.1, NM_183380.4 and 1 more transcripts); c.3319-4079A>G (NM_015548.5); short protein forms H1824R.
Identifiers: ClinVar variation 639025 (VCV000639025.7), dbSNP rs142961618, ClinGen allele CA3870353.

ClinVar aggregate classification (germline): Uncertain significance. Review status: criteria provided, multiple submitters, no conflicts (2 of 4 stars). 2 submissions from 2 submitters: Uncertain significance (2). Last evaluated 2025-06-16.

Conditions:
Epidermolysis bullosa simplex 3, localized or generalized intermediate, with BP230 deficiency (EBS3). Also called: Epidermolysis bullosa simplex due to BP230 deficiency; Epidermolysis bullosa simplex, autosomal recessive 2. Identifiers: Orphanet 412181, MedGen C3809470, MONDO:0014180, OMIM 615425.
Hereditary sensory and autonomic neuropathy type 6. Also called: Neuropathy, hereditary sensory and autonomic, type VI; HSAN VI. Identifiers: Orphanet 314381, MedGen C3539003, MONDO:0013839, OMIM 614653.

Allele frequency attached by ClinVar (database versions not stated): TOPMed 0.00005; ESP Exome Variant Server 0.00023.
gnomAD v4.1: 85 of 1,614,110 alleles (0.0053%); highest among the groups gnomAD compares: African/African-American, 0.0067%; 1 homozygote.

Submissions (2):

GeneDx
Classification: Uncertain significance. Last evaluated: 2025-06-16. Review status: criteria provided, single submitter. Criteria: GeneDx Variant Classification Process June 2021. Collection method: clinical testing. Allele origin: germline. Affected: yes.
Comment: In silico analysis suggests that this missense variant does not alter protein structure/function; Has not been previously published as pathogenic or benign to our knowledge; Reported using the transcript encoding the epithelial isoform of the gene

Labcorp Genetics (formerly Invitae), Labcorp
Classification: Uncertain significance for Epidermolysis bullosa simplex 3, localized or generalized intermediate, with BP230 deficiency; Hereditary sensory and autonomic neuropathy type 6. Last evaluated: 2022-08-23. Review status: criteria provided, single submitter. Criteria: Invitae Variant Classification Sherloc (09022015). Collection method: clinical testing. Allele origin: germline.
Comment: This sequence change replaces histidine, which is basic and polar, with arginine, which is basic and polar, at codon 1824 of the DST protein (p.His1824Arg). This variant is present in population databases (rs142961618, gnomAD 0.008%). This variant has not been reported in the literature in individuals affected with DST-related conditions. ClinVar contains an entry for this variant (Variation ID: 639025). Algorithms developed to predict the effect of missense changes on protein structure and function are either unavailable or do not agree on the potential impact of this missense change (SIFT: "Tolerated"; PolyPhen-2: "Possibly Damaging"; Align-GVGD: "Class C0"). In summary, the available evidence is currently insufficient to determine the role of this variant in disease. Therefore, it has been classified as a Variant of Uncertain Significance.